The following is an entry in ClinVar:

ClinVar aggregate classification (germline): Uncertain significance (1 of 4 stars; one submission).

Conditions:
Sandhoff disease. Also called: GM2-GANGLIOSIDOSIS, TYPE II; HEXOSAMINIDASES A AND B DEFICIENCY; Beta-hexosaminidase-beta-subunit deficiency; GM2 gangliosidosis, type 2; Total hexosaminidase deficiency; Sandhoff-Jatzkewitz-Pilz disease. Identifiers: Orphanet 796, MedGen C0036161, MONDO:0010006, OMIM 268800.

gnomAD v4.1: 1 of 1,614,016 alleles (0.000062%); highest among the groups gnomAD compares: Non-Finnish European, 0.000085%; no homozygotes.

Submission:

Labcorp Genetics (formerly Invitae), Labcorp
Classification: Uncertain significance for Sandhoff disease. Last evaluated: 2025-06-30. Review status: criteria provided, single submitter. Criteria: Invitae Variant Classification Sherloc (09022015). Collection method: clinical testing. Allele origin: germline.
Comment: This sequence change replaces leucine, which is neutral and non-polar, with proline, which is neutral and non-polar, at codon 529 of the HEXB protein (p.Leu529Pro). This variant is not present in population databases (gnomAD no frequency). This variant has not been reported in the literature in individuals affected with HEXB-related conditions. Invitae Evidence Modeling of protein sequence and biophysical properties (such as structural, functional, and spatial information, amino acid conservation, physicochemical variation, residue mobility, and thermodynamic stability) indicates that this missense variant is expected to disrupt HEXB protein function with a positive predictive value of 95%. In summary, the available evidence is currently insufficient to determine the role of this variant in disease. Therefore, it has been classified as a Variant of Uncertain Significance.

NM_000521.4(HEXB):c.1586T>C (p.Leu529Pro)

Gene: HEXB (hexosaminidase subunit beta; plus strand). Cytogenetic location: 5q13.3.
Variant type: single nucleotide variant.
Coding change: c.1586T>C on transcript NM_000521.4 (MANE Select); coding-DNA position 1586, T replaced by C.
Protein change: p.Leu529Pro; replaces leucine 529 with proline.
Molecular consequence: missense variant.
Genome position (GRCh38, 1-based): chr5:74,720,720, T>C. VCF-style: chr5-74720720-T-C. GRCh37 (hg19) VCF-style: chr5-74016545-T-C.
Other names: c.911T>C, p.Leu304Pro (NM_001292004.2); short protein forms L304P, L529P.
Identifiers: ClinVar variation 4746238 (VCV004746238.1).